The following is an entry in ClinVar:

NM_001130965.3(SUN1):c.1636G>A (p.Asp546Asn)

Gene: SUN1 (Sad1 and UNC84 domain containing 1; plus strand). Cytogenetic location: 7p22.3.
Variant type: single nucleotide variant.
Coding change: c.1636G>A on transcript NM_001130965.3 (MANE Select); coding-DNA position 1636, G replaced by A.
Protein change: p.Asp546Asn; replaces aspartic acid 546 with asparagine.
Molecular consequence: missense variant. On other transcripts: non-coding transcript variant (3).
Genome position (GRCh38, 1-based): chr7:860,239, G>A. VCF-style: chr7-860239-G-A. GRCh37 (hg19) VCF-style: chr7-899876-G-A.
Other names: c.1915G>A, p.Asp639Asn (NM_001367698.1); c.2026G>A, p.Asp676Asn (NM_001367699.1, NM_001367678.1); c.1918G>A, p.Asp640Asn (NM_001367682.1, NM_001367641.1); c.1633G>A, p.Asp545Asn (NM_001367694.1, NM_001367665.1); c.1558G>A, p.Asp520Asn (NM_001367695.1); c.1714G>A, p.Asp572Asn (NM_001367696.1); c.1831G>A, p.Asp611Asn (NM_001367697.1, NM_001367693.1); c.1834G>A, p.Asp612Asn (NM_001367674.1); and 44 more; short protein forms D308N, D357N, D393N, D429N, D443N, D463N, D485N, D490N.
Identifiers: ClinVar variation 3613294 (VCV003613294.3).

ClinVar aggregate classification (germline): Uncertain significance. Review status: criteria provided, multiple submitters, no conflicts (2 of 4 stars). 2 submissions from 2 submitters: Uncertain significance (2). Last evaluated 2025-09-23.

Conditions:
Emery-Dreifuss muscular dystrophy (EDMD). Also called: Scapuloperoneal syndrome, X-linked (formerly); Humeroperoneal neuromuscular disease, (formerly). Identifiers: Orphanet 261, MedGen C0410189, MONDO:0016830.

gnomAD v4.1: 49 of 1,614,096 alleles (0.003%); highest among the groups gnomAD compares: South Asian, 0.0044%; no homozygotes.

Submissions (2):

Labcorp Genetics (formerly Invitae), Labcorp
Classification: Uncertain significance for Emery-Dreifuss muscular dystrophy. Last evaluated: 2025-09-23. Review status: criteria provided, single submitter. Criteria: Invitae Variant Classification Sherloc (09022015). Collection method: clinical testing. Allele origin: germline.
Comment: This sequence change replaces aspartic acid, which is acidic and polar, with asparagine, which is neutral and polar, at codon 546 of the SUN1 protein (p.Asp546Asn). This variant is present in population databases (rs755220201, gnomAD 0.006%). This variant has not been reported in the literature in individuals affected with SUN1-related conditions. ClinVar contains an entry for this variant (Variation ID: 3613294). An algorithm developed to predict the effect of missense changes on protein structure and function outputs the following: PolyPhen-2: "Probably Damaging". The asparagine amino acid residue is found in multiple mammalian species, which suggests that this missense change does not adversely affect protein function. In summary, the available evidence is currently insufficient to determine the role of this variant in disease. Therefore, it has been classified as a Variant of Uncertain Significance.

Ambry Genetics
Classification: Uncertain significance. Last evaluated: 2025-05-25. Review status: criteria provided, single submitter. Criteria: Ambry Variant Classification Scheme 2023. Collection method: clinical testing. Allele origin: germline.